The following is an entry in ClinVar:

ClinVar aggregate classification (germline): Uncertain significance (1 of 4 stars; one submission).

Conditions:
Myoclonic epilepsy, juvenile, susceptibility to, 1. Also called: Myoclonic Epilepsy, Juvenile, 1; EJM1. Identifiers: MedGen C1850778, MONDO:0020752, OMIM 254770.
Absence seizure. Also called: Absence epilepsy. Identifiers: Orphanet 1941, MedGen C0014553.

Allele frequency attached by ClinVar (database versions not stated): gnomAD 0.00001; gnomAD exomes 0.00001.
gnomAD v4.1: 7 of 1,612,610 alleles (0.00043%); highest among the groups gnomAD compares: Non-Finnish European, 0.00051%; no homozygotes.

Submission:

Labcorp Genetics (formerly Invitae), Labcorp
Classification: Uncertain significance for Myoclonic epilepsy, juvenile, susceptibility to, 1; Absence seizure. Last evaluated: 2020-09-20. Review status: criteria provided, single submitter. Criteria: Invitae Variant Classification Sherloc (09022015). Collection method: clinical testing. Allele origin: germline.
Comment: This variant is not present in population databases (ExAC no frequency). This sequence change replaces leucine with proline at codon 97 of the EFHC1 protein (p.Leu97Pro). The leucine residue is highly conserved and there is a moderate physicochemical difference between leucine and proline. This variant has not been reported in the literature in individuals with EFHC1-related disease. In summary, the available evidence is currently insufficient to determine the role of this variant in disease. Therefore, it has been classified as a Variant of Uncertain Significance. Algorithms developed to predict the effect of missense changes on protein structure and function (SIFT, PolyPhen-2, Align-GVGD) all suggest that this variant is likely to be disruptive, but these predictions have not been confirmed by published functional studies and their clinical significance is uncertain.

NM_018100.4(EFHC1):c.290T>C (p.Leu97Pro)

Gene: EFHC1 (EF-hand domain containing 1; plus strand). Cytogenetic location: 6p12.2.
Variant type: single nucleotide variant.
Coding change: c.290T>C on transcript NM_018100.4 (MANE Select); coding-DNA position 290, T replaced by C.
Protein change: p.Leu97Pro; replaces leucine 97 with proline.
Molecular consequence: missense variant. On other transcripts: non-coding transcript variant (1).
Genome position (GRCh38, 1-based): chr6:52,438,308, T>C. VCF-style: chr6-52438308-T-C. GRCh37 (hg19) VCF-style: chr6-52303106-T-C.
Other names: c.233T>C, p.Leu78Pro (NM_001172420.2); short protein forms L78P, L97P.
Identifiers: ClinVar variation 665527 (VCV000665527.10), dbSNP rs1451023675, ClinGen allele CA364457578.